The following is an entry in ClinVar:

NM_001276345.2(TNNT2):c.828C>A (p.Asn276Lys)

Gene: TNNT2 (troponin T2, cardiac type; minus strand). Cytogenetic location: 1q32.1.
Variant type: single nucleotide variant.
Coding change: c.828C>A on transcript NM_001276345.2 (MANE Select); coding-DNA position 828, C replaced by A.
Protein change: p.Asn276Lys; replaces asparagine 276 with lysine.
Molecular consequence: missense variant.
Genome position (GRCh38, 1-based): chr1:201,359,646, G>T on the plus strand (C>A on the coding strand, the complement: TNNT2 is on the minus strand). VCF-style: chr1-201359646-G-T. GRCh37 (hg19) VCF-style: chr1-201328774-G-T.
Other names: c.819C>A, p.Asn273Lys (NM_000364.4, NM_001406723.1); c.798C>A, p.Asn266Lys (NM_001001430.3, NM_001276347.2, NM_001406724.1); c.789C>A, p.Asn263Lys (NM_001001431.3, NM_001406726.1, NM_001406727.1); c.780C>A, p.Asn260Lys (NM_001001432.3); c.699C>A, p.Asn233Lys (NM_001276346.2); c.795C>A, p.Asn265Lys (NM_001406725.1); c.783C>A, p.Asn261Lys (NM_001406728.1); short protein forms N233K, N260K, N261K, N263K, N265K, N266K, N273K, N276K.
Identifiers: ClinVar variation 4278794 (VCV004278794.1).
Genomic context (GRCh38, chr1:201,359,646, plus strand): 5'-GGGGGAGGGCTAGGCGAGAATGACCTCAGACACTTACACTTTCTGGTTATCGTTGATCCT[G>T]TTTCGGAGAACATTGATCTGCAAGAAAAGTGGGAAGGACAAAGAGCAACGCTGGAGCTGA-3'
Protein context (NP_001263274.1, residues 266-286): QQKYEINVLR[Asn276Lys]RINDNQKVSK

ClinVar aggregate classification (germline): Uncertain significance (1 of 4 stars; one submission).

Submission:

GeneDx
Classification: Uncertain significance. Last evaluated: 2025-04-02. Review status: criteria provided, single submitter. Criteria: GeneDx Variant Classification Process June 2021. Collection method: clinical testing. Allele origin: germline. Affected: yes.
Comment: Not observed at significant frequency in large population cohorts (gnomAD); In silico analysis supports that this missense variant has a deleterious effect on protein structure/function; Has not been previously published as pathogenic or benign to our knowledge